The following is an entry in ClinVar:

NM_016188.5(ACTL6B):c.886G>A (p.Ala296Thr)

Gene: ACTL6B (actin like 6B; minus strand). Cytogenetic location: 7q22.1.
Variant type: single nucleotide variant.
Coding change: c.886G>A on transcript NM_016188.5 (MANE Select); coding-DNA position 886, G replaced by A.
Protein change: p.Ala296Thr; replaces alanine 296 with threonine.
Molecular consequence: missense variant. On other transcripts: non-coding transcript variant (1).
Genome position (GRCh38, 1-based): chr7:100,647,021, C>T on the plus strand (G>A on the coding strand, the complement: ACTL6B is on the minus strand). VCF-style: chr7-100647021-C-T. GRCh37 (hg19) VCF-style: chr7-100244644-C-T.
Other names: short protein forms A296T.
Identifiers: ClinVar variation 3389836 (VCV003389836.14).

ClinVar aggregate classification (germline): Uncertain significance (1 of 4 stars; one submission).

Submission:

CeGaT Center for Human Genetics Tuebingen
Classification: Uncertain significance. Last evaluated: 2024-10-01. Review status: criteria provided, single submitter. Criteria: CeGaT Center For Human Genetics Tuebingen Variant Classification Criteria Version 2. Collection method: clinical testing. Allele origin: germline. Affected: yes. Observed: 1 variant allele.
Comment: ACTL6B: PM2